The following is an entry in ClinVar:

ClinVar aggregate classification (germline): Uncertain significance (1 of 4 stars; one submission).

Submission:

Labcorp Genetics (formerly Invitae), Labcorp
Classification: Uncertain significance. Last evaluated: 2024-09-27. Review status: criteria provided, single submitter. Criteria: Invitae Variant Classification Sherloc (09022015). Collection method: clinical testing. Allele origin: germline.
Comment: This sequence change falls in intron 2 of the ERBB4 gene. It does not directly change the encoded amino acid sequence of the ERBB4 protein. This variant is not present in population databases (gnomAD no frequency). This variant has not been reported in the literature in individuals affected with ERBB4-related conditions. Algorithms developed to predict the effect of sequence changes on RNA splicing suggest that this variant may disrupt the consensus splice site. In summary, the available evidence is currently insufficient to determine the role of this variant in disease. Therefore, it has been classified as a Variant of Uncertain Significance.

NM_005235.3(ERBB4):c.234+7C>G

Gene: ERBB4 (erb-b2 receptor tyrosine kinase 4; minus strand). Cytogenetic location: 2q34.
Variant type: single nucleotide variant.
Coding change: c.234+7C>G on transcript NM_005235.3 (MANE Select); 7 bases into the intron after coding-DNA position 234, C replaced by G.
Molecular consequence: intron variant.
Genome position (GRCh38, 1-based): chr2:212,124,745, G>C on the plus strand (C>G on the coding strand, the complement: ERBB4 is on the minus strand). VCF-style: chr2-212124745-G-C. GRCh37 (hg19) VCF-style: chr2-212989470-G-C.
Other names: c.234+7C>G (NM_001042599.2, NM_001439006.1, NM_001439005.1).
Identifiers: ClinVar variation 3649882 (VCV003649882.2).
Genomic context (GRCh38, chr2:212,124,745, plus strand): 5'-GTCTGCCTGTATGCATCATGACGCCACTGTCCATTCACAAAGAAGAGAAAGAAAGCCACA[G>C]CTTTACCCGCAGGAAGGAGAGGTCCCGGTTGTGCTCAATGCTGGTTATCTCCAGGTTGCC-3'